The following is an entry in ClinVar:

ClinVar aggregate classification (germline): Likely benign (1 of 4 stars; one submission).

gnomAD v4.1: 5,381 of 1,612,296 alleles (0.33%); highest among the groups gnomAD compares: Non-Finnish European, 0.4%; 12 homozygotes.

Submission:

CeGaT Center for Human Genetics Tuebingen
Classification: Likely benign. Last evaluated: 2024-09-01. Review status: criteria provided, single submitter. Criteria: CeGaT Center For Human Genetics Tuebingen Variant Classification Criteria Version 2. Collection method: clinical testing. Allele origin: germline. Affected: yes. Observed: 1 variant allele.
Comment: KIF15: BP4

NM_020242.3(KIF15):c.2487G>C (p.Glu829Asp)

Gene: KIF15 (kinesin family member 15; plus strand). Cytogenetic location: 3p21.31.
Variant type: single nucleotide variant.
Coding change: c.2487G>C on transcript NM_020242.3 (MANE Select); coding-DNA position 2487, G replaced by C.
Protein change: p.Glu829Asp; replaces glutamic acid 829 with aspartic acid.
Molecular consequence: missense variant.
Genome position (GRCh38, 1-based): chr3:44,815,014, G>C. VCF-style: chr3-44815014-G-C. GRCh37 (hg19) VCF-style: chr3-44856506-G-C.
Other names: short protein forms E829D.
Identifiers: ClinVar variation 3387935 (VCV003387935.14).
Genomic context (GRCh38, chr3:44,815,014, plus strand): 5'-TGCTGACAAGGAGCTTTCTTCAGTGAAATTGGAATATAGTTCATTCAAAACGAATCAGGA[G>C]AAAGAATTCAACAAACTTTCCGAAAGACACATGCATGTACAGCTTCAATTAGATAATCTC-3'
Protein context (NP_064627.1, residues 819-839): LEYSSFKTNQ[Glu829Asp]KEFNKLSERH